The following is an entry in ClinVar:

ClinVar aggregate classification (germline): Uncertain significance (1 of 4 stars; one submission).

Conditions:
Emery-Dreifuss muscular dystrophy 5, autosomal dominant (EDMD5). Also called: EMERY-DREIFUSS MUSCULAR DYSTROPHY 5. Identifiers: Orphanet 261, MedGen C2751805, MONDO:0013072, OMIM 612999.

Allele frequency attached by ClinVar (database versions not stated): gnomAD 0.00001; gnomAD exomes 0.00001; ExAC 0.00002; ESP Exome Variant Server 0.00009.
gnomAD v4.1: 22 of 1,613,274 alleles (0.0014%); highest among the groups gnomAD compares: Non-Finnish European, 0.00034%; no homozygotes.

Submission:

Labcorp Genetics (formerly Invitae), Labcorp
Classification: Uncertain significance for Emery-Dreifuss muscular dystrophy 5, autosomal dominant. Last evaluated: 2024-10-13. Review status: criteria provided, single submitter. Criteria: Invitae Variant Classification Sherloc (09022015). Collection method: clinical testing. Allele origin: germline.
Comment: This sequence change replaces asparagine, which is neutral and polar, with aspartic acid, which is acidic and polar, at codon 86 of the SYNE2 protein (p.Asn86Asp). This variant is present in population databases (rs374820855, gnomAD 0.03%). This variant has not been reported in the literature in individuals affected with SYNE2-related conditions. An algorithm developed to predict the effect of missense changes on protein structure and function (PolyPhen-2) suggests that this variant is likely to be disruptive. In summary, the available evidence is currently insufficient to determine the role of this variant in disease. Therefore, it has been classified as a Variant of Uncertain Significance.

NM_182914.3(SYNE2):c.256A>G (p.Asn86Asp)

Gene: SYNE2 (spectrin repeat containing nuclear envelope protein 2; plus strand). Cytogenetic location: 14q23.2.
Variant type: single nucleotide variant.
Coding change: c.256A>G on transcript NM_182914.3 (MANE Select); coding-DNA position 256, A replaced by G.
Protein change: p.Asn86Asp; replaces asparagine 86 with aspartic acid.
Molecular consequence: missense variant.
Genome position (GRCh38, 1-based): chr14:63,941,903, A>G. VCF-style: chr14-63941903-A-G. GRCh37 (hg19) VCF-style: chr14-64408621-A-G.
Other names: c.256A>G, p.Asn86Asp (NM_015180.6); short protein forms N86D.
Identifiers: ClinVar variation 2904405 (VCV002904405.3), dbSNP rs374820855, ClinGen allele CA7219056.